The following is an entry in ClinVar:

NM_001963.6(EGF):c.2314A>G (p.Met772Val)

Genes: EGF (epidermal growth factor; plus strand), LOC126807134 (BRD4-independent group 4 enhancer GRCh37_chr4:110900995-110902194; plus strand). Cytogenetic location: 4q25.
Variant type: single nucleotide variant.
Coding change: c.2314A>G on transcript NM_001963.6 (MANE Select); coding-DNA position 2314, A replaced by G.
Protein change: p.Met772Val; replaces methionine 772 with valine.
Molecular consequence: missense variant.
Genome position (GRCh38, 1-based): chr4:109,980,918, A>G. VCF-style: chr4-109980918-A-G. GRCh37 (hg19) VCF-style: chr4-110902074-A-G.
Other names: c.2314A>G, p.Met772Val (NM_001178130.3); c.2188A>G, p.Met730Val (NM_001178131.3, NM_001357021.2); short protein forms M772V, M730V.
Identifiers: ClinVar variation 2153336 (VCV002153336.4), dbSNP rs759576285, ClinGen allele CA3043933.

ClinVar aggregate classification (germline): Uncertain significance (1 of 4 stars; one submission).

Allele frequency attached by ClinVar (database versions not stated): TOPMed below 0.00001; ExAC 0.00002; gnomAD 0.00003.
gnomAD v4.1: 47 of 1,614,152 alleles (0.0029%); highest among the groups gnomAD compares: Middle Eastern, 0.016%; no homozygotes.

Submission:

Labcorp Genetics (formerly Invitae), Labcorp
Classification: Uncertain significance. Last evaluated: 2022-06-09. Review status: criteria provided, single submitter. Criteria: Invitae Variant Classification Sherloc (09022015). Collection method: clinical testing. Allele origin: germline.
Comment: In summary, the available evidence is currently insufficient to determine the role of this variant in disease. Therefore, it has been classified as a Variant of Uncertain Significance. Algorithms developed to predict the effect of missense changes on protein structure and function output the following: SIFT: "Not Available"; PolyPhen-2: "Benign"; Align-GVGD: "Not Available". The valine amino acid residue is found in multiple mammalian species, which suggests that this missense change does not adversely affect protein function. This variant has not been reported in the literature in individuals affected with EGF-related conditions. This variant is present in population databases (rs759576285, gnomAD 0.07%), and has an allele count higher than expected for a pathogenic variant. This sequence change replaces methionine, which is neutral and non-polar, with valine, which is neutral and non-polar, at codon 772 of the EGF protein (p.Met772Val).